The following is an entry in ClinVar:

ClinVar aggregate classification (germline): Uncertain significance. Review status: criteria provided, multiple submitters, no conflicts (2 of 4 stars). 3 submissions from 3 submitters: Uncertain significance (3). Last evaluated 2024-03-20.

Conditions:
Juvenile polyposis syndrome (JPS). Identifiers: Orphanet 2929, MedGen C0345893, MONDO:0017380, OMIM 174900.
Hereditary cancer-predisposing syndrome. Also called: Neoplastic Syndromes, Hereditary; Hereditary Cancer Syndrome; Hereditary neoplastic syndrome; Tumor predisposition. Identifiers: Orphanet 140162, MedGen C0027672, MeSH D009386, MONDO:0015356.
Familial thoracic aortic aneurysm and aortic dissection (TAAD). Also called: Thoracic aortic aneurysms and dissections. Identifiers: Orphanet 91387, MedGen C4707243, MONDO:0019625.
Juvenile polyposis/hereditary hemorrhagic telangiectasia syndrome (JPHT). Also called: POLYPOSIS, GENERALIZED JUVENILE, WITH PULMONARY ARTERIOVENOUS MALFORMATION; TELANGIECTASIA, HEREDITARY HEMORRHAGIC, WITH JUVENILE POLYPOSIS COLI; Juvenile Polyposis Syndrome / Hereditary Hemorrhagic Telangiectasia (JPS/HHT); JP/HHT SYNDROME; JUVENILE POLYPOSIS WITH HEREDITARY HEMORRHAGIC TELANGIECTASIA. Identifiers: Orphanet 2929, MedGen C1832942, MONDO:0008278, OMIM 175050.

Allele frequency attached by ClinVar (database versions not stated): TOPMed below 0.00001.

Submissions (3):

Baylor Genetics
Classification: Uncertain significance for Juvenile polyposis/hereditary hemorrhagic telangiectasia syndrome. Last evaluated: 2024-03-20. Review status: criteria provided, single submitter. Criteria: ACMG Guidelines, 2015. Collection method: clinical testing. Allele origin: unknown.

Ambry Genetics
Classification: Uncertain significance for Hereditary cancer-predisposing syndrome; Familial thoracic aortic aneurysm and aortic dissection. Last evaluated: 2023-12-21. Review status: criteria provided, single submitter. Criteria: Ambry Variant Classification Scheme 2023. Collection method: clinical testing. Allele origin: germline.
Comment: The p.Q249E variant (also known as c.745C>G), located in coding exon 5 of the SMAD4 gene, results from a C to G substitution at nucleotide position 745. The glutamine at codon 249 is replaced by glutamic acid, an amino acid with highly similar properties. This amino acid position is conserved. In addition, this alteration is predicted to be tolerated by in silico analysis. Since supporting evidence is limited at this time, the clinical significance of this alteration remains unclear.

Labcorp Genetics (formerly Invitae), Labcorp
Classification: Uncertain significance for Juvenile polyposis syndrome. Last evaluated: 2017-07-06. Review status: criteria provided, single submitter. Criteria: Invitae Variant Classification Sherloc (09022015). Collection method: clinical testing. Allele origin: germline.
Comment: In summary, the available evidence is currently insufficient to determine the role of this variant in disease. Therefore, it has been classified as a Variant of Uncertain Significance. Algorithms developed to predict the effect of missense changes on protein structure and function (SIFT, PolyPhen-2, Align-GVGD) all suggest that this variant is likely to be tolerated, but these predictions have not been confirmed by published functional studies and their clinical significance is uncertain. This variant has not been reported in the literature in individuals with SMAD4-related disease. This variant is not present in population databases (ExAC no frequency). This sequence change replaces glutamine with glutamic acid at codon 249 of the SMAD4 protein (p.Gln249Glu). The glutamine residue is moderately conserved and there is a small physicochemical difference between glutamine and glutamic acid.

NM_005359.6(SMAD4):c.745C>G (p.Gln249Glu)

Gene: SMAD4 (SMAD family member 4; plus strand). Cytogenetic location: 18q21.2.
Variant type: single nucleotide variant.
Coding change: c.745C>G on transcript NM_005359.6 (MANE Select); coding-DNA position 745, C replaced by G.
Protein change: p.Gln249Glu; replaces glutamine 249 with glutamic acid.
Molecular consequence: missense variant.
Genome position (GRCh38, 1-based): chr18:51,058,202, C>G. VCF-style: chr18-51058202-C-G. GRCh37 (hg19) VCF-style: chr18-48584572-C-G.
Other names: short protein forms Q249E.
Identifiers: ClinVar variation 460564 (VCV000460564.12), dbSNP rs1370953444, ClinGen allele CA402462947.